The following is an entry in ClinVar:

ClinVar aggregate classification (germline): Likely benign (1 of 4 stars; one submission).

Allele frequency attached by ClinVar (database versions not stated): gnomAD exomes below 0.00001; TOPMed below 0.00001.
gnomAD v4.1: 1 of 1,613,310 alleles (0.000062%); highest among the groups gnomAD compares: East Asian, 0.0022%; no homozygotes.

Submission:

CeGaT Center for Human Genetics Tuebingen
Classification: Likely benign. Last evaluated: 2022-11-01. Review status: criteria provided, single submitter. Criteria: CeGaT Center For Human Genetics Tuebingen Variant Classification Criteria Version 2. Collection method: clinical testing. Allele origin: germline. Affected: yes. Observed: 1 variant allele.
Comment: RESF1: PM2:Supporting, BP4, BP7

NM_018169.4(RESF1):c.4002A>G (p.Leu1334=)

Gene: RESF1 (retroelement silencing factor 1; plus strand). Cytogenetic location: 12p11.21.
Variant type: single nucleotide variant.
Coding change: c.4002A>G on transcript NM_018169.4 (MANE Select); coding-DNA position 4002, A replaced by G.
Protein change: p.Leu1334=; no amino-acid change (leucine 1334 retained).
Molecular consequence: synonymous variant.
Genome position (GRCh38, 1-based): chr12:31,984,957, A>G. VCF-style: chr12-31984957-A-G. GRCh37 (hg19) VCF-style: chr12-32137891-A-G.
Identifiers: ClinVar variation 2642833 (VCV002642833.24), dbSNP rs1411759570, ClinGen allele CA479385586.